The following is an entry in ClinVar:

ClinVar aggregate classification (germline): Likely pathogenic (1 of 4 stars; one submission).

Conditions:
Mendelian susceptibility to mycobacterial diseases due to complete IL12RB1 deficiency. Also called: IL12RB1 DEFICIENCY; Immunodeficiency 30. Identifiers: Orphanet 319552, MedGen C4013949, MONDO:0013955, OMIM 614891.

Submission:

Labcorp Genetics (formerly Invitae), Labcorp
Classification: Likely pathogenic for Mendelian susceptibility to mycobacterial diseases due to complete IL12RB1 deficiency. Last evaluated: 2024-11-05. Review status: criteria provided, single submitter. Criteria: Invitae Variant Classification Sherloc (09022015). Collection method: clinical testing. Allele origin: germline.
Comment: This sequence change affects a donor splice site in intron 13 of the IL12RB1 gene. It is expected to disrupt RNA splicing. Variants that disrupt the donor or acceptor splice site typically lead to a loss of protein function (PMID: 16199547), and loss-of-function variants in IL12RB1 are known to be pathogenic (PMID: 9603733, 12591909). This variant is not present in population databases (gnomAD no frequency). This variant has not been reported in the literature in individuals affected with IL12RB1-related conditions. ClinVar contains an entry for this variant (Variation ID: 858475). Algorithms developed to predict the effect of sequence changes on RNA splicing suggest that this variant may disrupt the consensus splice site. In summary, the currently available evidence indicates that the variant is pathogenic, but additional data are needed to prove that conclusively. Therefore, this variant has been classified as Likely Pathogenic.

Literature cited by the submitters: PubMed 16199547; PubMed 9603733; PubMed 12591909.

NM_005535.3(IL12RB1):c.1618+1G>T

Gene: IL12RB1 (interleukin 12 receptor subunit beta 1; minus strand). Cytogenetic location: 19p13.11.
Variant type: single nucleotide variant.
Coding change: c.1618+1G>T on transcript NM_005535.3 (MANE Select); the canonical splice donor site of the intron after coding-DNA position 1618, G replaced by T.
Molecular consequence: splice donor variant.
Genome position (GRCh38, 1-based): chr19:18,063,875, C>A on the plus strand (G>T on the coding strand, the complement: IL12RB1 is on the minus strand). VCF-style: chr19-18063875-C-A. GRCh37 (hg19) VCF-style: chr19-18174685-C-A.
Other names: c.1738+1G>T (NM_001290024.2); c.1618+1G>T (NM_001290023.2); c.1639+1G>T (NM_001440425.1, NM_001440424.1).
Identifiers: ClinVar variation 858475 (VCV000858475.8), dbSNP rs1434654558, ClinGen allele CA404776233.